The following is an entry in ClinVar:

ClinVar aggregate classification (germline): Uncertain significance (1 of 4 stars; one submission).

Submission:

Labcorp Genetics (formerly Invitae), Labcorp
Classification: Uncertain significance. Last evaluated: 2025-10-09. Review status: criteria provided, single submitter. Criteria: Invitae Variant Classification Sherloc (09022015). Collection method: clinical testing. Allele origin: germline.
Comment: This sequence change replaces glycine, which is neutral and non-polar, with alanine, which is neutral and non-polar, at codon 346 of the FH protein (p.Gly346Ala). This variant is not present in population databases (gnomAD no frequency). This variant has not been reported in the literature in individuals affected with FH-related conditions. Invitae Evidence Modeling of protein sequence and biophysical properties (such as structural, functional, and spatial information, amino acid conservation, physicochemical variation, residue mobility, and thermodynamic stability) indicates that this missense variant is not expected to disrupt FH protein function with a negative predictive value of 95%. This variant disrupts the p.Gly346 amino acid residue in FH. Other variant(s) that disrupt this residue have been determined to be pathogenic (PMID: 24182348). This suggests that this residue is clinically significant, and that variants that disrupt this residue are likely to be disease-causing. In summary, the available evidence is currently insufficient to determine the role of this variant in disease. Therefore, it has been classified as a Variant of Uncertain Significance.

Literature cited by the submitters: PubMed 24182348.

NM_000143.4(FH):c.1037G>C (p.Gly346Ala)

Gene: FH (fumarate hydratase; minus strand). Cytogenetic location: 1q43.
Variant type: single nucleotide variant.
Coding change: c.1037G>C on transcript NM_000143.4 (MANE Select); coding-DNA position 1037, G replaced by C.
Protein change: p.Gly346Ala; replaces glycine 346 with alanine.
Molecular consequence: missense variant.
Genome position (GRCh38, 1-based): chr1:241,504,113, C>G on the plus strand (G>C on the coding strand, the complement: FH is on the minus strand). VCF-style: chr1-241504113-C-G. GRCh37 (hg19) VCF-style: chr1-241667413-C-G.
Other names: short protein forms G346A.
Identifiers: ClinVar variation 4808606 (VCV004808606.1).